The following is an entry in ClinVar:

ClinVar aggregate classification (germline): Uncertain significance. Review status: criteria provided, multiple submitters, no conflicts (2 of 4 stars). 4 submissions from 4 submitters: Uncertain significance (4). Last evaluated 2022-08-16.

Allele frequency attached by ClinVar (database versions not stated): ExAC 0.00001; gnomAD 0.00001; gnomAD exomes 0.00002; TOPMed 0.00002.
gnomAD v4.1: 57 of 1,613,816 alleles (0.0035%); highest among the groups gnomAD compares: Non-Finnish European, 0.0046%; no homozygotes.

Submissions (4):

Athena Diagnostics
Classification: Uncertain significance. Last evaluated: 2022-08-16. Review status: criteria provided, single submitter. Criteria: Athena Diagnostics Criteria. Collection method: clinical testing. Allele origin: unknown.

Labcorp Genetics (formerly Invitae), Labcorp
Classification: Uncertain significance. Last evaluated: 2021-10-03. Review status: criteria provided, single submitter. Criteria: Invitae Variant Classification Sherloc (09022015). Collection method: clinical testing. Allele origin: germline.
Comment: This sequence change replaces histidine with tyrosine at codon 2162 of the HSPG2 protein (p.His2162Tyr). The histidine residue is weakly conserved and there is a moderate physicochemical difference between histidine and tyrosine. This variant is present in population databases (rs757056213, ExAC 0.002%). This variant has not been reported in the literature in individuals affected with HSPG2-related conditions. ClinVar contains an entry for this variant (Variation ID: 592983). Algorithms developed to predict the effect of missense changes on protein structure and function are either unavailable or do not agree on the potential impact of this missense change (SIFT: "Tolerated"; PolyPhen-2: "Possibly Damaging"; Align-GVGD: "Class C0"). In summary, the available evidence is currently insufficient to determine the role of this variant in disease. Therefore, it has been classified as a Variant of Uncertain Significance.

Revvity Omics, Revvity
Classification: Uncertain significance. Last evaluated: 2019-09-20. Review status: criteria provided, single submitter. Criteria: ACMG Guidelines, 2015. Collection method: clinical testing. Allele origin: germline.

Eurofins Ntd Llc (ga)
Classification: Uncertain significance. Last evaluated: 2017-07-13. Review status: criteria provided, single submitter. Criteria: EGL Classification Definitions 2015. Collection method: clinical testing. Allele origin: germline. Observed: 1 variant allele, 1 heterozygote.

NM_005529.7(HSPG2):c.6484C>T (p.His2162Tyr)

Genes: HSPG2 (heparan sulfate proteoglycan 2; minus strand), LOC126805655 (CDK7 strongly-dependent group 2 enhancer GRCh37_chr1:22178409-22179608; plus strand). Cytogenetic location: 1p36.12.
Variant type: single nucleotide variant.
Coding change: c.6484C>T on transcript NM_005529.7 (MANE Select); coding-DNA position 6484, C replaced by T.
Protein change: p.His2162Tyr; replaces histidine 2162 with tyrosine.
Molecular consequence: missense variant.
Genome position (GRCh38, 1-based): chr1:21,853,026, G>A on the plus strand (C>T on the coding strand, the complement: HSPG2 is on the minus strand). VCF-style: chr1-21853026-G-A. GRCh37 (hg19) VCF-style: chr1-22179519-G-A.
Other names: c.6487C>T, p.His2163Tyr (NM_001291860.2); c.6484C>T (NM_005529.5); short protein forms H2162Y, H2163Y.
Identifiers: ClinVar variation 592983 (VCV000592983.10), dbSNP rs757056213, ClinGen allele CA671528.
Genomic context (GRCh38, chr1:21,853,026, plus strand): 5'-GGGCGTGGGCCTGCCCGGGCACCACGCAGTTCAGATCCAGGGTCTGCCCTTCCGCCACGT[G>A]TGAGGAGGAGGGCTCGATGCGGATGGGCCGGGTGCTGCCGGGCACTGGACACAGAGCGGC-3'
Protein context (NP_005520.4, residues 2152-2172): RPIRIEPSSS[His2162Tyr]VAEGQTLDLN